The following is an entry in ClinVar:

NM_004656.4(BAP1):c.1714C>T (p.Pro572Ser)

Gene: BAP1 (BRCA1 associated deubiquitinase 1; minus strand). Cytogenetic location: 3p21.1.
Variant type: single nucleotide variant.
Coding change: c.1714C>T on transcript NM_004656.4 (MANE Select); coding-DNA position 1714, C replaced by T.
Protein change: p.Pro572Ser; replaces proline 572 with serine.
Molecular consequence: missense variant.
Genome position (GRCh38, 1-based): chr3:52,403,431, G>A on the plus strand (C>T on the coding strand, the complement: BAP1 is on the minus strand). VCF-style: chr3-52403431-G-A. GRCh37 (hg19) VCF-style: chr3-52437447-G-A.
Other names: short protein forms P572S.
Identifiers: ClinVar variation 490806 (VCV000490806.10), dbSNP rs1553644803, ClinGen allele CA353099598.

ClinVar aggregate classification (germline): Uncertain significance. Review status: criteria provided, multiple submitters, no conflicts (2 of 4 stars). 2 submissions from 2 submitters: Uncertain significance (2). Last evaluated 2025-07-25.

Conditions:
Hereditary cancer-predisposing syndrome. Also called: Hereditary Cancer Syndrome; Neoplastic Syndromes, Hereditary; Tumor predisposition; Hereditary neoplastic syndrome. Identifiers: Orphanet 140162, MedGen C0027672, MeSH D009386, MONDO:0015356.
BAP1-related tumor predisposition syndrome (TPDS1). Also called: Tumor susceptibility linked to germline BAP1 mutations; BAP1 tumor predisposition syndrome; COMMON Syndrome; TUMOR PREDISPOSITION SYNDROME 1. Identifiers: Orphanet 289539, MedGen C3280492, MONDO:0013692, OMIM 614327.

Submissions (2):

Labcorp Genetics (formerly Invitae), Labcorp
Classification: Uncertain significance for BAP1-related tumor predisposition syndrome. Last evaluated: 2025-07-25. Review status: criteria provided, single submitter. Criteria: Invitae Variant Classification Sherloc (09022015). Collection method: clinical testing. Allele origin: germline.
Comment: This sequence change replaces proline, which is neutral and non-polar, with serine, which is neutral and polar, at codon 572 of the BAP1 protein (p.Pro572Ser). This variant is not present in population databases (gnomAD no frequency). This variant has not been reported in the literature in individuals affected with BAP1-related conditions. ClinVar contains an entry for this variant (Variation ID: 490806). Invitae Evidence Modeling of protein sequence and biophysical properties (such as structural, functional, and spatial information, amino acid conservation, physicochemical variation, residue mobility, and thermodynamic stability) indicates that this missense variant is not expected to disrupt BAP1 protein function with a negative predictive value of 80%. In summary, the available evidence is currently insufficient to determine the role of this variant in disease. Therefore, it has been classified as a Variant of Uncertain Significance.

Color Diagnostics, LLC DBA Color Health
Classification: Uncertain significance for Hereditary cancer-predisposing syndrome. Last evaluated: 2023-12-05. Review status: criteria provided, single submitter. Criteria: ACMG Guidelines, 2015. Collection method: clinical testing. Allele origin: germline.
Comment: This missense variant replaces proline with serine at codon 572 of the BAP1 protein. Computational prediction suggests that this variant may not impact protein structure and function (internally defined REVEL score threshold <= 0.5, PMID: 27666373). To our knowledge, functional studies have not been reported for this variant. This variant has not been reported in individuals affected with BAP1-related disorders in the literature. This variant has not been identified in the general population by the Genome Aggregation Database (gnomAD). The available evidence is insufficient to determine the role of this variant in disease conclusively. Therefore, this variant is classified as a Variant of Uncertain Significance.